The following is an entry in ClinVar:

ClinVar aggregate classification (germline): Likely pathogenic (1 of 4 stars; one submission).

Conditions:
CTCF-related neurodevelopmental disorder. Also called: INTELLECTUAL DEVELOPMENTAL DISORDER, AUTOSOMAL DOMINANT 21; Intellectual disability-feeding difficulties-developmental delay-microcephaly syndrome. Identifiers: Orphanet 363611, MedGen C3809686, MONDO:0014213, OMIM 615502.

Submission:

3billion
Classification: Likely pathogenic for CTCF-related neurodevelopmental disorder. Last evaluated: 2022-09-01. Review status: criteria provided, single submitter. Criteria: ACMG Guidelines, 2015. Collection method: clinical testing. Allele origin: germline. Affected: yes. Observed: 1 heterozygote.
Comment: The variant is not observed in the gnomAD v2.1.1 dataset. It is predicted to result in a loss or disruption of normal protein function through nonsense-mediated decay (NMD) or protein truncation. Multiple pathogenic variants are reported downstream of the variant. Therefore, this variant is classified as Likely pathogenic according to the recommendation of ACMG/AMP guideline.

NM_006565.4(CTCF):c.867_868dup (p.Asp290fs)

Gene: CTCF (CCCTC-binding factor; plus strand). Cytogenetic location: 16q22.1.
Variant type: Duplication.
Coding change: c.867_868dup on transcript NM_006565.4 (MANE Select); coding-DNA positions 867 to 868, 2 bases duplicated (TG; older notation c.867_868dupTG).
Protein change: p.Asp290fs; shifts the reading frame from aspartic acid 290.
Molecular consequence: frameshift variant. On other transcripts: intron variant (1).
Genome position (GRCh38, 1-based): chr16:67,612,036-67,612,037, TG duplicated. VCF-style (leftmost placement, unchanged base first): chr16-67612035-C-CTG. GRCh37 (hg19) VCF-style: chr16-67645938-C-CTG.
Other names: c.867_868dup, p.Asp290Valfs (NM_001363916.2); c.-32-4709_-32-4708dup (NM_001191022.2); short protein forms D290fs.
Identifiers: ClinVar variation 1705522 (VCV001705522.1), dbSNP rs2543451915, ClinGen allele CA2580091791.